The following is an entry in ClinVar:

NM_003334.4(UBA1):c.121A>C (p.Met41Leu)

Genes: UBA1 (ubiquitin like modifier activating enzyme 1; plus strand), LOC126863253 (CDK7 strongly-dependent group 2 enhancer GRCh37_chrX:47057593-47058792; plus strand). Cytogenetic location: Xp11.3.
Variant type: single nucleotide variant.
Coding change: c.121A>C on transcript NM_003334.4 (MANE Select); coding-DNA position 121, A replaced by C.
Protein change: p.Met41Leu; replaces methionine 41 with leucine.
Molecular consequence: missense variant.
Genome position (GRCh38, 1-based): chrX:47,199,051, A>C. VCF-style: chrX-47199051-A-C. GRCh37 (hg19) VCF-style: chrX-47058450-A-C.
Other names: c.121A>C, p.Met41Leu (NM_153280.3); c.121A>C (NM_153280.2); short protein forms M41L.
Identifiers: ClinVar variation 981654 (VCV000981654.55), dbSNP rs1936307795, ClinGen allele CA412786633.

ClinVar aggregate classification (germline): Conflicting classifications of pathogenicity. Review status: criteria provided, conflicting classifications (1 of 4 stars). 10 submissions from 10 submitters: Pathogenic (6); Likely pathogenic (1); Uncertain significance (1). 2 of the submissions do not count toward it. Last evaluated 2025-12-21.

Conditions:
VEXAS syndrome. Identifiers: Orphanet 596753, MedGen C5435753, MONDO:0026777, OMIM 301054.
VEXAS.
UBA1-related disorder. Also called: UBA1-related condition.
Infantile-onset X-linked spinal muscular atrophy. Also called: Spinal muscular atrophy, X-linked 2; AMC, DISTAL, X-LINKED; ARTHROGRYPOSIS, X-LINKED, TYPE I; Spinal Muscular Atrophy, X-Linked Infantile; SPINAL MUSCULAR ATROPHY, X-LINKED LETHAL INFANTILE. Identifiers: Orphanet 1145, MedGen C1844934, MONDO:0010532, OMIM 301830.

Submissions (10):

Labcorp Genetics (formerly Invitae), Labcorp
Classification: Uncertain significance for Infantile-onset X-linked spinal muscular atrophy. Last evaluated: 2025-12-21. Review status: criteria provided, single submitter. Criteria: Invitae Variant Classification Sherloc (09022015). Collection method: clinical testing. Allele origin: germline.
Comment: This sequence change replaces methionine, which is neutral and non-polar, with leucine, which is neutral and non-polar, at codon 41 of the UBA1 protein (p.Met41Leu). This variant is not present in population databases (gnomAD no frequency). This variant has been reported as a recurrent somatic variant in individuals with VEXAS (vacuoles, E1 enzyme, X-linked, autoinflammatory, somatic) syndrome (PMID: 33108101, 34048852), but has not been reported as a germline variant. ClinVar contains an entry for this variant (Variation ID: 981654). An algorithm developed to predict the effect of missense changes on protein structure and function (PolyPhen-2) suggests that this variant is likely to be tolerated. Experimental studies have shown that this missense change affects UBA1 function (PMID: 33108101). In summary, the available evidence is currently insufficient to determine the role of this variant in disease. Therefore, it has been classified as a Variant of Uncertain Significance.

Blueprint Genetics
Classification: Pathogenic for UBA1-related disorders. Last evaluated: 2024-06-13. Review status: criteria provided, single submitter. Criteria: ACMG Guidelines, 2015. Collection method: clinical testing. Allele origin: germline. Affected: yes. Observed: 5 variant alleles.

CeGaT Center for Human Genetics Tuebingen
Classification: Pathogenic. Last evaluated: 2024-03-01. Review status: criteria provided, single submitter. Criteria: CeGaT Center For Human Genetics Tuebingen Variant Classification Criteria Version 2. Collection method: clinical testing. Allele origin: germline. Affected: yes. Observed: 3 variant alleles.
Comment: UBA1: PM1:Strong, PM2, PM5, PS4:Moderate, PS3:Supporting

Centre for Clinical Genetics and Genomic Diagnostics, Zealand University Hospital
Classification: Pathogenic. Last evaluated: 2023-11-10. Review status: criteria provided, single submitter. Criteria: ACMG Guidelines, 2015. Collection method: clinical testing. Allele origin: somatic. Affected: yes.

Diagnostic Genetics, Severance Hospital, Yonsei University College of Medicine
Classification: Pathogenic for VEXAS syndrome. Last evaluated: 2023-01-03. Review status: criteria provided, single submitter. Criteria: ACMG Guidelines, 2015. Collection method: clinical testing. Allele origin: somatic. Affected: yes.

MGZ Medical Genetics Center
Classification: Likely pathogenic for VEXAS syndrome. Last evaluated: 2022-05-04. Review status: criteria provided, single submitter. Criteria: ACMG Guidelines, 2015. Collection method: clinical testing. Allele origin: germline. Affected: yes. Observed: 1 variant allele.
Comment: ACMG criteria applied: PS3_MOD, PS4_MOD, PM5, PM2_SUP, PP4

GeneDx
Classification: Pathogenic. Last evaluated: 2022-04-14. Review status: criteria provided, single submitter. Criteria: GeneDx Variant Classification Process June 2021. Collection method: clinical testing. Allele origin: germline. Affected: yes.
Comment: Published functional studies demonstrate disrupted cytoplasmic protein function and promotion of pro-inflammatory gene expression (Beck et al., 2020); Not observed in large population cohorts (gnomAD); This variant is associated with the following publications: (PMID: 33630036, 26432019, 33690815, 34427584, 34480172, 33789873, 33108101)

Tan Tock Seng Hospital, National Healthcare Group
Classification: Pathogenic for VEXAS syndrome. Last evaluated: 2020-12-11. Review status: criteria provided, single submitter. Criteria: ACMG Guidelines, 2015. Collection method: clinical testing. Allele origin: somatic. Inheritance: Somatic mutation. Affected: yes. Observed: 1 hemizygote.
Comment: This sequence alteration replaces methionine with leucine at codon 41 of the UBA1 gene (p.Met41Leu). This variant is absent in gnomAD and the alternative variant, Met41Val was reported in individuals with VEXAS (vacuoles, E1 enzyme, X-linked, autoinflammatory, somatic) syndrome (PMID: 33108101). The functional study showed that the missense change at codon 41 favors the production of the functionally defective cytoplasmic UBA1 isoform that results in the loss of ubiquitylation, and dysregulation of autophagy, leading to severe inflammatory conditions. For these reasons, this variant is classified as pathogenic.

OMIM
Classification: Pathogenic for VEXAS SYNDROME, SOMATIC. Last evaluated: 2023-02-06. Review status: no assertion criteria provided. Collection method: literature only. Allele origin: somatic. Not counted in ClinVar's aggregate classification.

Inflammatory Disease Section/Clinical Genetics Service, National Human Genome Research Institute
Classification: Pathogenic for VEXAS. Last evaluated: 2020-10-01. Review status: no assertion criteria provided. Collection method: research. Allele origin: somatic. Affected: yes. Not counted in ClinVar's aggregate classification.

Literature cited by the submitters: PubMed 33108101 (cited by 3 submitters); PubMed 34048852 (cited by Labcorp Genetics (formerly Invitae), Labcorp and OMIM); PubMed 35793467 (cited by OMIM).